The following is an entry in ClinVar:

NM_000179.3(MSH6):c.3645A>G (p.Leu1215=)

Gene: MSH6 (mutS homolog 6; plus strand). Cytogenetic location: 2p16.3.
Variant type: single nucleotide variant.
Coding change: c.3645A>G on transcript NM_000179.3 (MANE Select); coding-DNA position 3645, A replaced by G.
Protein change: p.Leu1215=; no amino-acid change (leucine 1215 retained).
Molecular consequence: synonymous variant.
Genome position (GRCh38, 1-based): chr2:47,805,706, A>G. VCF-style: chr2-47805706-A-G. GRCh37 (hg19) VCF-style: chr2-48032845-A-G.
Other names: c.3255A>G, p.Leu1085= (NM_001281492.2); c.2739A>G, p.Leu913= (NM_001281493.2, NM_001281494.2).
Identifiers: ClinVar variation 428414 (VCV000428414.10), dbSNP rs267608113, ClinGen allele CA46717470.
Genomic context (GRCh38, chr2:47,805,706, plus strand): 5'-TGAAACTGCCAGCATACTCATGCATGCAACAGCACATTCTCTGGTGCTTGTGGATGAATT[A>G]GGTAAGACATTAAACTTCTCATTTGAAGACTATCTATCTTAAAAACATTTGTACAAATAA-3'
Protein context (NP_000170.1, residues 1205-1225): TAHSLVLVDE[Leu1215=]GRGTATFDGT

ClinVar aggregate classification (germline): Conflicting classifications of pathogenicity. Review status: criteria provided, conflicting classifications (1 of 4 stars). 4 submissions from 4 submitters: Uncertain significance (1); Benign (1); Likely benign (2). Last evaluated 2025-01-07.

Conditions:
Hereditary cancer-predisposing syndrome. Also called: Hereditary Cancer Syndrome; Neoplastic Syndromes, Hereditary; Hereditary neoplastic syndrome; Tumor predisposition. Identifiers: Orphanet 140162, MedGen C0027672, MeSH D009386, MONDO:0015356.
Hereditary nonpolyposis colorectal neoplasms. Identifiers: MedGen C0009405, MeSH D003123.
Lynch syndrome 5 (LYNCH5). Also called: Hereditary non-polyposis colorectal cancer, type 5; Colorectal cancer, hereditary nonpolyposis, type 5. Identifiers: Orphanet 144, MedGen C1833477, MONDO:0013710, OMIM 614350. Disease mechanism: loss of function.

Submissions (4):

Myriad Genetics, Inc.
Classification: Benign for Lynch syndrome 5. Last evaluated: 2025-01-07. Review status: criteria provided, single submitter. Criteria: Myriad Autosomal Dominant, Autosomal Recessive and X-Linked Classification Criteria (2023). Collection method: clinical testing. Allele origin: unknown.
Comment: This variant is considered benign. This variant is a silent/synonymous amino acid change and it is not expected to impact splicing.

Labcorp Genetics (formerly Invitae), Labcorp
Classification: Uncertain significance for Hereditary nonpolyposis colorectal neoplasms. Last evaluated: 2024-05-10. Review status: criteria provided, single submitter. Criteria: Invitae Variant Classification Sherloc (09022015). Collection method: clinical testing. Allele origin: germline.
Comment: This sequence change affects codon 1215 of the MSH6 mRNA. It is a 'silent' change, meaning that it does not change the encoded amino acid sequence of the MSH6 protein. It affects a nucleotide within the consensus splice site. This variant is not present in population databases (gnomAD no frequency). This variant has not been reported in the literature in individuals affected with MSH6-related conditions. ClinVar contains an entry for this variant (Variation ID: 428414). Algorithms developed to predict the effect of sequence changes on RNA splicing suggest that this variant is not likely to affect RNA splicing. In summary, the available evidence is currently insufficient to determine the role of this variant in disease. Therefore, it has been classified as a Variant of Uncertain Significance.

Ambry Genetics
Classification: Likely benign for Hereditary cancer-predisposing syndrome. Last evaluated: 2016-04-06. Review status: criteria provided, single submitter. Criteria: Ambry Variant Classification Scheme 2023. Collection method: clinical testing. Allele origin: germline.

Color Diagnostics, LLC DBA Color Health
Classification: Likely benign for Hereditary cancer-predisposing syndrome. Last evaluated: 2016-01-13. Review status: criteria provided, single submitter. Criteria: ACMG Guidelines, 2015. Collection method: clinical testing. Allele origin: germline.